The following is an entry in ClinVar:

NM_007294.4(BRCA1):c.527C>G (p.Thr176Arg)

Gene: BRCA1 (BRCA1 DNA repair associated; minus strand). Cytogenetic location: 17q21.31.
Variant type: single nucleotide variant.
Coding change: c.527C>G on transcript NM_007294.4 (MANE Select); coding-DNA position 527, C replaced by G.
Protein change: p.Thr176Arg; replaces threonine 176 with arginine.
Molecular consequence: missense variant. On other transcripts: non-coding transcript variant (1).
Genome position (GRCh38, 1-based): chr17:43,099,795, G>C on the plus strand (C>G on the coding strand, the complement: BRCA1 is on the minus strand). VCF-style: chr17-43099795-G-C. GRCh37 (hg19) VCF-style: chr17-41251812-G-C.
Other names: c.524C>G, p.Thr175Arg (NM_001407614.1, NM_001407615.1, NM_001407627.1 and 65 more transcripts); c.527C>G, p.Thr176Arg (NM_001407616.1, NM_001407617.1, NM_001407618.1 and 97 more transcripts); c.518C>G, p.Thr173Arg (NM_001407646.1, NM_001407647.1, NM_001408408.1); c.449C>G, p.Thr150Arg (NM_001407653.1, NM_001407654.1, NM_001407655.1 and 12 more transcripts); c.446C>G, p.Thr149Arg (NM_001407659.1, NM_001407660.1, NM_001407661.1 and 6 more transcripts); c.386C>G, p.Thr129Arg (NM_001407692.1, NM_001407694.1, NM_001407695.1 and 61 more transcripts); c.383C>G, p.Thr128Arg (NM_001407740.1, NM_001407741.1, NM_001407742.1 and 35 more transcripts); c.314C>G, p.Thr105Arg (NM_001407853.1, NM_001407894.1, NM_001407895.1 and 18 more transcripts); and 4 more; short protein forms T176R, T129R, T105R, T173R, T175R, T106R, T128R, T131R.
Identifiers: ClinVar variation 142823 (VCV000142823.5), dbSNP rs587782747, ClinGen allele CA003440.
Genomic context (GRCh38, chr17:43,099,795, plus strand): 5'-GCAATTATTATTAAATACTTAAAAAACCTGAGACCCTTACCCAATTCAATGTAGACAGAC[G>C]TCTTTTGAGGTTGTATCCGCTGCTTTGTCCTCAGAGTTCTCACAGTTCCAAGGTTAGAGA-3'
Protein context (NP_009225.1, residues 166-186): RTKQRIQPQK[Thr176Arg]SVYIELGSDS

ClinVar aggregate classification (germline): Uncertain significance (1 of 4 stars; one submission).

Conditions:
Hereditary cancer-predisposing syndrome. Also called: Hereditary Cancer Syndrome; Neoplastic Syndromes, Hereditary; Hereditary neoplastic syndrome; Tumor predisposition. Identifiers: Orphanet 140162, MedGen C0027672, MeSH D009386, MONDO:0015356.

Submission:

Ambry Genetics
Classification: Uncertain significance for Hereditary cancer-predisposing syndrome. Last evaluated: 2025-01-31. Review status: criteria provided, single submitter. Criteria: Ambry Variant Classification Scheme 2023. Collection method: clinical testing. Allele origin: germline.
Comment: The p.T176R variant (also known as c.527C>G), located in coding exon 6 of the BRCA1 gene, results from a C to G substitution at nucleotide position 527. The threonine at codon 176 is replaced by arginine, an amino acid with similar properties. This amino acid position is well conserved in available vertebrate species. In addition, this alteration is predicted to be deleterious by in silico analysis. Based on the available evidence, the clinical significance of this variant remains unclear.